The following is an entry in ClinVar:

NM_000368.5(TSC1):c.1263+1G>C

Gene: TSC1 (TSC complex subunit 1; minus strand). Cytogenetic location: 9q34.13.
Variant type: single nucleotide variant.
Coding change: c.1263+1G>C on transcript NM_000368.5 (MANE Select); the canonical splice donor site of the intron after coding-DNA position 1263, G replaced by C.
Molecular consequence: splice donor variant.
Genome position (GRCh38, 1-based): chr9:132,910,570, C>G on the plus strand (G>C on the coding strand, the complement: TSC1 is on the minus strand). VCF-style: chr9-132910570-C-G. GRCh37 (hg19) VCF-style: chr9-135785957-C-G.
Other names: c.897+1G>C (NM_001406620.1, NM_001406625.1, NM_001406621.1 and 2 more transcripts); c.900+1G>C (NM_001406618.1, NM_001406617.1, NM_001406619.1 and 5 more transcripts); c.1107+1G>C (NM_001406613.1, NM_001406612.1, NM_001406611.1); c.1110+1G>C (NM_001406610.1, NM_001162427.2); c.309+1G>C (NM_001406627.1, NM_001406628.1); c.210+1G>C (NM_001406629.1, NM_001406630.1); c.1260+1G>C (NM_001406603.1, NM_001406609.1, NM_001406597.1 and 6 more transcripts); c.1263+1G>C (NM_001406602.1, NM_001406606.1, NM_001406592.1 and 7 more transcripts); and 1 more.
Identifiers: ClinVar variation 5031193 (VCV005031193.1).

ClinVar aggregate classification (germline): Likely pathogenic (1 of 4 stars; one submission).

Conditions:
Hereditary cancer-predisposing syndrome. Also called: Neoplastic Syndromes, Hereditary; Tumor predisposition; Hereditary neoplastic syndrome; Hereditary Cancer Syndrome. Identifiers: Orphanet 140162, MedGen C0027672, MeSH D009386, MONDO:0015356.

Submission:

Ambry Genetics
Classification: Likely pathogenic for Hereditary cancer-predisposing syndrome. Last evaluated: 2026-06-17. Review status: criteria provided, single submitter. Criteria: Ambry Variant Classification Scheme 2023. Collection method: clinical testing. Allele origin: germline.
Comment: The c.1263+1G>C intronic variant results from a G to C substitution one nucleotide after coding exon 10 of the TSC1 gene. This variant is considered to be rare based on population cohorts in the Genome Aggregation Database (gnomAD). This nucleotide position is highly conserved in available vertebrate species. In silico splice site analysis predicts that this alteration will weaken the native splice donor site. Alterations that disrupt the canonical splice site are expected to cause aberrant splicing, resulting in an abnormal protein or a transcript that is subject to nonsense-mediated mRNA decay. As such, this alteration is classified as likely pathogenic.